The following is an entry in ClinVar:

NM_000059.4(BRCA2):c.6387del (p.Glu2129fs)

Gene: BRCA2 (BRCA2 DNA repair associated; plus strand). Cytogenetic location: 13q13.1.
Variant type: Deletion.
Coding change: c.6387del on transcript NM_000059.4 (MANE Select); coding-DNA position 6387, one base deleted (A; older notation c.6387delA).
Protein change: p.Glu2129fs; shifts the reading frame from glutamic acid 2129.
Molecular consequence: frameshift variant.
Genome position (GRCh38, 1-based): chr13:32,340,742, A deleted; the last of 2 consecutive A bases (chr13:32,340,741-32,340,742); deleting either gives the same sequence. VCF-style (leftmost placement, unchanged base first): chr13-32340740-GA-G. GRCh37 (hg19) VCF-style: chr13-32914877-GA-G.
Other names: short protein forms E2129fs.
Identifiers: ClinVar variation 1073052 (VCV001073052.4), dbSNP rs2137526963, ClinGen allele CA2499222233.
Genomic context (GRCh38, chr13:32,340,740, plus strand): 5'-GTTGATAAGAGAAACCCAGAGCACTGTGTAAACTCAGAAATGGAAAAAACCTGCAGTAAA[GA>G]ATTTAAATTATCAAATAACTTAAATGTTGAAGGTGGTTCTTCAGAAAATAATCACTCTAT-3'

ClinVar aggregate classification (germline): Pathogenic (1 of 4 stars; one submission).

Conditions:
Hereditary cancer-predisposing syndrome. Also called: Tumor predisposition; Hereditary neoplastic syndrome; Neoplastic Syndromes, Hereditary; Hereditary Cancer Syndrome. Identifiers: Orphanet 140162, MedGen C0027672, MeSH D009386, MONDO:0015356.

Submission:

Ambry Genetics
Classification: Pathogenic for Hereditary cancer-predisposing syndrome. Last evaluated: 2021-03-16. Review status: criteria provided, single submitter. Criteria: Ambry Variant Classification Scheme 2023. Collection method: clinical testing. Allele origin: germline.
Comment: The c.6387delA pathogenic mutation, located in coding exon 10 of the BRCA2 gene, results from a deletion of one nucleotide at nucleotide position 6387, causing a translational frameshift with a predicted alternate stop codon (p.E2129Dfs*8). This alteration is expected to result in loss of function by premature protein truncation or nonsense-mediated mRNA decay. As such, this alteration is interpreted as a disease-causing mutation.